The following is an entry in ClinVar:

ClinVar aggregate classification (germline): Uncertain significance (1 of 4 stars; one submission).

Conditions:
Long QT syndrome (LQTS). Identifiers: MedGen C0023976, MeSH D008133, MONDO:0002442. Disease mechanism: loss of function. Inheritance: Various modes of inheritance.

Submission:

Labcorp Genetics (formerly Invitae), Labcorp
Classification: Uncertain significance for Long QT syndrome. Last evaluated: 2021-08-30. Review status: criteria provided, single submitter. Criteria: Invitae Variant Classification Sherloc (09022015). Collection method: clinical testing. Allele origin: germline.
Comment: In summary, the available evidence is currently insufficient to determine the role of this variant in disease. Therefore, it has been classified as a Variant of Uncertain Significance. Algorithms developed to predict the effect of missense changes on protein structure and function output the following: SIFT: "Deleterious"; PolyPhen-2: "Benign"; Align-GVGD: "Class C0". The isoleucine amino acid residue is found in multiple mammalian species, which suggests that this missense change does not adversely affect protein function. This sequence change replaces threonine with isoleucine at codon 2605 of the AKAP9 protein (p.Thr2605Ile). The threonine residue is moderately conserved and there is a moderate physicochemical difference between threonine and isoleucine. This variant is not present in population databases (ExAC no frequency). This variant has not been reported in the literature in individuals affected with AKAP9-related conditions.

NM_005751.5(AKAP9):c.7814C>T (p.Thr2605Ile)

Gene: AKAP9 (A-kinase anchoring protein 9; plus strand). Cytogenetic location: 7q21.2.
Variant type: single nucleotide variant.
Coding change: c.7814C>T on transcript NM_005751.5 (MANE Select); coding-DNA position 7814, C replaced by T.
Protein change: p.Thr2605Ile; replaces threonine 2605 with isoleucine.
Molecular consequence: missense variant.
Genome position (GRCh38, 1-based): chr7:92,079,947, C>T. VCF-style: chr7-92079947-C-T. GRCh37 (hg19) VCF-style: chr7-91709261-C-T.
Other names: c.2459C>T, p.Thr820Ile (NM_001379277.1); c.7790C>T, p.Thr2597Ile (NM_147185.3); short protein forms T2597I, T2605I, T820I.
Identifiers: ClinVar variation 1501156 (VCV001501156.6), dbSNP rs2130862701, ClinGen allele CA368136575.